The following is an entry in ClinVar:

NM_017654.4(SAMD9):c.2924G>T (p.Cys975Phe)

Gene: SAMD9 (sterile alpha motif domain containing 9; minus strand). Cytogenetic location: 7q21.2.
Variant type: single nucleotide variant.
Coding change: c.2924G>T on transcript NM_017654.4 (MANE Select); coding-DNA position 2924, G replaced by T.
Protein change: p.Cys975Phe; replaces cysteine 975 with phenylalanine.
Molecular consequence: missense variant.
Genome position (GRCh38, 1-based): chr7:93,103,174, C>A on the plus strand (G>T on the coding strand, the complement: SAMD9 is on the minus strand). VCF-style: chr7-93103174-C-A. GRCh37 (hg19) VCF-style: chr7-92732487-C-A.
Other names: c.2924G>T, p.Cys975Phe (NM_001193307.2); short protein forms C975F.
Identifiers: ClinVar variation 4159138 (VCV004159138.1).
Genomic context (GRCh38, chr7:93,103,174, plus strand): 5'-TCTTCCAGTGAGAACTCTGCAATCAAAGAGTGAATGATGCGTACTCCACAGTAGTTCCCA[C>A]ATTCGATGACCTCTGTTTTTATCAGAATTGTAGAGTAGGTGCCCATCTTGTCTTCAAATT-3'
Protein context (NP_060124.2, residues 965-985): TILIKTEVIE[Cys975Phe]GNYCGVRIIH

ClinVar aggregate classification (germline): Uncertain significance (1 of 4 stars; one submission).

Conditions:
Inborn genetic diseases. Identifiers: MedGen C0950123, MeSH D030342.

Submission:

Ambry Genetics
Classification: Uncertain significance for Inborn genetic diseases. Last evaluated: 2025-08-08. Review status: criteria provided, single submitter. Criteria: Ambry Variant Classification Scheme 2023. Collection method: clinical testing. Allele origin: germline.
Comment: The p.C975F variant (also known as c.2924G>T), located in coding exon 1 of the SAMD9 gene, results from a G to T substitution at nucleotide position 2924. The cysteine at codon 975 is replaced by phenylalanine, an amino acid with highly dissimilar properties. This amino acid position is conserved. In addition, this alteration is predicted to be tolerated by in silico analysis. Based on the available evidence, the clinical significance of this variant remains unclear.